The following is an entry in ClinVar:

NM_000271.5(NPC1):c.749A>C (p.Lys250Thr)

Gene: NPC1 (NPC intracellular cholesterol transporter 1; minus strand). Cytogenetic location: 18q11.2.
Variant type: single nucleotide variant.
Coding change: c.749A>C on transcript NM_000271.5 (MANE Select); coding-DNA position 749, A replaced by C.
Protein change: p.Lys250Thr; replaces lysine 250 with threonine.
Molecular consequence: missense variant.
Genome position (GRCh38, 1-based): chr18:23,560,363, T>G on the plus strand (A>C on the coding strand, the complement: NPC1 is on the minus strand). VCF-style: chr18-23560363-T-G. GRCh37 (hg19) VCF-style: chr18-21140327-T-G.
Other names: short protein forms K250T.
Identifiers: ClinVar variation 1038948 (VCV001038948.6), dbSNP rs536360132, ClinGen allele CA8913653.

ClinVar aggregate classification (germline): Uncertain significance. Review status: criteria provided, multiple submitters, no conflicts (2 of 4 stars). 3 submissions from 3 submitters: Uncertain significance (2). 1 of the submissions does not count toward it. Last evaluated 2022-04-19.

Conditions:
Niemann-Pick disease, type C1. Also called: NEUROVISCERAL STORAGE DISEASE WITH VERTICAL SUPRANUCLEAR OPHTHALMOPLEGIA; NIEMANN-PICK DISEASE WITH CHOLESTEROL ESTERIFICATION BLOCK; NIEMANN-PICK DISEASE WITHOUT SPHINGOMYELINASE DEFICIENCY; NIEMANN-PICK DISEASE, CHRONIC NEURONOPATHIC FORM; NIEMANN-PICK DISEASE, VARIANT TYPE C1. Identifiers: Orphanet 646, MedGen C3179455, MONDO:0009757, OMIM 257220.

Allele frequency attached by ClinVar (database versions not stated): gnomAD 0.00001; gnomAD exomes 0.00001; TOPMed 0.00001; ExAC 0.00002; 1000 Genomes Project 30x 0.00016; 1000 Genomes Project 0.00020.
gnomAD v4.1: 5 of 1,614,222 alleles (0.00031%); highest among the groups gnomAD compares: East Asian, 0.011%; no homozygotes.

Submissions (3):

Fulgent Genetics
Classification: Uncertain significance for Niemann-Pick disease, type C1. Last evaluated: 2022-04-19. Review status: criteria provided, single submitter. Criteria: ACMG Guidelines, 2015. Collection method: clinical testing. Allele origin: unknown.

Labcorp Genetics (formerly Invitae), Labcorp
Classification: Uncertain significance for Niemann-Pick disease, type C1. Last evaluated: 2021-08-24. Review status: criteria provided, single submitter. Criteria: Invitae Variant Classification Sherloc (09022015). Collection method: clinical testing. Allele origin: germline.
Comment: This sequence change replaces lysine with threonine at codon 250 of the NPC1 protein (p.Lys250Thr). The lysine residue is moderately conserved and there is a moderate physicochemical difference between lysine and threonine. This variant is present in population databases (rs536360132, ExAC 0.02%). This variant has not been reported in the literature in individuals affected with NPC1-related conditions. Algorithms developed to predict the effect of missense changes on protein structure and function (SIFT, PolyPhen-2, Align-GVGD) all suggest that this variant is likely to be tolerated. In summary, the available evidence is currently insufficient to determine the role of this variant in disease. Therefore, it has been classified as a Variant of Uncertain Significance.

Natera, Inc.
Classification: Uncertain significance for Niemann-Pick disease type C1. Last evaluated: 2020-02-27. Review status: no assertion criteria provided. Collection method: clinical testing. Allele origin: germline. Not counted in ClinVar's aggregate classification.